The following is an entry in ClinVar:

NM_014251.3(SLC25A13):c.1475G>A (p.Arg492Gln)

Gene: SLC25A13 (solute carrier family 25 member 13; minus strand). Cytogenetic location: 7q21.3.
Variant type: single nucleotide variant.
Coding change: c.1475G>A on transcript NM_014251.3 (MANE Select); coding-DNA position 1475, G replaced by A.
Protein change: p.Arg492Gln; replaces arginine 492 with glutamine.
Molecular consequence: missense variant. On other transcripts: non-coding transcript variant (1).
Genome position (GRCh38, 1-based): chr7:96,131,859, C>T on the plus strand (G>A on the coding strand, the complement: SLC25A13 is on the minus strand). VCF-style: chr7-96131859-C-T. GRCh37 (hg19) VCF-style: chr7-95761171-C-T.
Other names: c.1478G>A, p.Arg493Gln (NM_001160210.2); short protein forms R492Q, R493Q.
Identifiers: ClinVar variation 596918 (VCV000596918.8), dbSNP rs769939259, ClinGen allele CA4352897.
Genomic context (GRCh38, chr7:96,131,859, plus strand): 5'-GCAAAGGAAGCCTTCACATGAGCATAGCACGGAAAGTAGATGGCCGAGAAAGGAATGTCC[C>T]GCAGAAAGCATGCTTTGGCACCCTGCACATTTGCAAAGGAAGAAAAACCACATGAAACAC-3'
Protein context (NP_055066.1, residues 482-502): IYKGAKACFL[Arg492Gln]DIPFSAIYFP

ClinVar aggregate classification (germline): Uncertain significance. Review status: criteria provided, multiple submitters, no conflicts (2 of 4 stars). 2 submissions from 2 submitters: Uncertain significance (2). Last evaluated 2023-07-04.

Conditions:
Citrin deficiency. Identifiers: Orphanet 247582, MedGen C1997910, MONDO:0016602.

Allele frequency attached by ClinVar (database versions not stated): gnomAD exomes 0.00002 and 0.00004; TOPMed 0.00002; gnomAD 0.00003 and 0.00004.
gnomAD v4.1: 39 of 1,613,774 alleles (0.0024%); highest among the groups gnomAD compares: East Asian, 0.0022%; no homozygotes.

Submissions (2):

Labcorp Genetics (formerly Invitae), Labcorp
Classification: Uncertain significance for Citrin deficiency. Last evaluated: 2023-07-04. Review status: criteria provided, single submitter. Criteria: Invitae Variant Classification Sherloc (09022015). Collection method: clinical testing. Allele origin: germline.
Comment: This sequence change replaces arginine, which is basic and polar, with glutamine, which is neutral and polar, at codon 492 of the SLC25A13 protein (p.Arg492Gln). This variant is present in population databases (rs769939259, gnomAD 0.04%). This variant has not been reported in the literature in individuals affected with SLC25A13-related conditions. ClinVar contains an entry for this variant (Variation ID: 596918). Advanced modeling of protein sequence and biophysical properties (such as structural, functional, and spatial information, amino acid conservation, physicochemical variation, residue mobility, and thermodynamic stability) performed at Invitae indicates that this missense variant is expected to disrupt SLC25A13 protein function. In summary, the available evidence is currently insufficient to determine the role of this variant in disease. Therefore, it has been classified as a Variant of Uncertain Significance.

Eurofins Ntd Llc (ga)
Classification: Uncertain significance. Last evaluated: 2018-04-19. Review status: criteria provided, single submitter. Criteria: EGL ClinVar v180209 classification definitions. Collection method: clinical testing. Allele origin: germline. Observed: 1 variant allele, 1 heterozygote.